The following is an entry in ClinVar:

ClinVar aggregate classification (germline): Likely benign (1 of 4 stars; one submission).

Conditions:
EPPK1-related disorder. Also called: EPPK1-related condition.

Submission:

PreventionGenetics, part of Exact Sciences
Classification: Likely benign for EPPK1-related condition. Last evaluated: 2021-06-21. Review status: criteria provided, single submitter. Criteria: ACMG Guidelines, 2015. Collection method: clinical testing. Allele origin: germline.
Comment: This variant is classified as likely benign based on ACMG/AMP sequence variant interpretation guidelines (Richards et al. 2015 PMID: 25741868, with internal and published modifications).

NM_031308.4(EPPK1):c.7236C>A (p.Leu2412=)

Gene: EPPK1 (epiplakin 1; minus strand). Cytogenetic location: 8q24.3.
Variant type: single nucleotide variant.
Coding change: c.7236C>A on transcript NM_031308.4 (MANE Select); coding-DNA position 7236, C replaced by A.
Protein change: p.Leu2412=; no amino-acid change (leucine 2412 retained).
Molecular consequence: synonymous variant.
Genome position (GRCh38, 1-based): chr8:143,866,018, G>T on the plus strand (C>A on the coding strand, the complement: EPPK1 is on the minus strand). VCF-style: chr8-143866018-G-T.
Identifiers: ClinVar variation 3032925 (VCV003032925.1), dbSNP rs2539008762, ClinGen allele CA2740095389.